The following is an entry in ClinVar:

NM_018834.6(MATR3):c.2507A>C (p.Lys836Thr)

Gene: MATR3 (matrin 3; plus strand). Cytogenetic location: 5q31.2.
Variant type: single nucleotide variant.
Coding change: c.2507A>C on transcript NM_018834.6 (MANE Select); coding-DNA position 2507, A replaced by C.
Protein change: p.Lys836Thr; replaces lysine 836 with threonine.
Molecular consequence: missense variant.
Genome position (GRCh38, 1-based): chr5:139,329,358, A>C. VCF-style: chr5-139329358-A-C. GRCh37 (hg19) VCF-style: chr5-138665047-A-C.
Other names: c.2507A>C, p.Lys836Thr (NM_001194954.2, NM_001194955.2, NM_199189.3); c.1643A>C, p.Lys548Thr (NM_001194956.2); c.1493A>C, p.Lys498Thr (NM_001282278.2); short protein forms K548T, K498T, K836T.
Identifiers: ClinVar variation 1423316 (VCV001423316.6), dbSNP rs912142064, ClinGen allele CA128247014.
Genomic context (GRCh38, chr5:139,329,358, plus strand): 5'-GCATTTCTCTTAGGTGACTTAATGGCTGTAATTCTCTTTCTTTATAGAAATTTCTGAATA[A>C]ATTGGCAGAAGAACGCAGACAGAAGAAGGAAACTTAAGATGTGCAAGGAGATTTAATGAT-3'
Protein context (NP_061322.2, residues 826-846): HYQKLKKFLN[Lys836Thr]LAEERRQKKE

ClinVar aggregate classification (germline): Uncertain significance (1 of 4 stars; one submission).

Conditions:
Amyotrophic lateral sclerosis type 21. Also called: MYOPATHY, DISTAL, 2; VOCAL CORD AND PHARYNGEAL DYSFUNCTION WITH DISTAL MYOPATHY. Identifiers: Orphanet 600, Orphanet 803, MedGen C3807521, MONDO:0011632, OMIM 606070.

Allele frequency attached by ClinVar (database versions not stated): gnomAD exomes below 0.00001; gnomAD 0.00001; TOPMed 0.00001.
gnomAD v4.1: 3 of 1,611,856 alleles (0.00019%); highest among the groups gnomAD compares: Non-Finnish European, 0.00017%; no homozygotes.

Submission:

Labcorp Genetics (formerly Invitae), Labcorp
Classification: Uncertain significance for Amyotrophic lateral sclerosis type 21. Last evaluated: 2021-11-30. Review status: criteria provided, single submitter. Criteria: Invitae Variant Classification Sherloc (09022015). Collection method: clinical testing. Allele origin: germline.
Comment: In summary, the available evidence is currently insufficient to determine the role of this variant in disease. Therefore, it has been classified as a Variant of Uncertain Significance. Algorithms developed to predict the effect of missense changes on protein structure and function are either unavailable or do not agree on the potential impact of this missense change (SIFT: "Deleterious"; PolyPhen-2: "Probably Damaging"; Align-GVGD: "Class C0"). This variant has not been reported in the literature in individuals affected with MATR3-related conditions. This variant is present in population databases (no rsID available, gnomAD no frequency). This sequence change replaces lysine, which is basic and polar, with threonine, which is neutral and polar, at codon 836 of the MATR3 protein (p.Lys836Thr).